The following is an entry in ClinVar:

ClinVar aggregate classification (germline): Uncertain significance (1 of 4 stars; one submission).

Conditions:
Familial thoracic aortic aneurysm and aortic dissection (TAAD). Also called: Thoracic aortic aneurysms and dissections. Identifiers: Orphanet 91387, MedGen C4707243, MONDO:0019625.

Submission:

Ambry Genetics
Classification: Uncertain significance for Familial thoracic aortic aneurysm and aortic dissection. Last evaluated: 2024-08-25. Review status: criteria provided, single submitter. Criteria: Ambry Variant Classification Scheme 2023. Collection method: clinical testing. Allele origin: germline.
Comment: The p.I887N variant (also known as c.2660T>A), located in coding exon 15 of the MYLK gene, results from a T to A substitution at nucleotide position 2660. The isoleucine at codon 887 is replaced by asparagine, an amino acid with dissimilar properties. This amino acid position is conserved. In addition, this alteration is predicted to be tolerated by in silico analysis. Based on the available evidence, the clinical significance of this variant remains unclear.

NM_053025.4(MYLK):c.2660T>A (p.Ile887Asn)

Gene: MYLK (myosin light chain kinase; minus strand). Cytogenetic location: 3q21.1.
Variant type: single nucleotide variant.
Coding change: c.2660T>A on transcript NM_053025.4 (MANE Select); coding-DNA position 2660, T replaced by A.
Protein change: p.Ile887Asn; replaces isoleucine 887 with asparagine.
Molecular consequence: missense variant.
Genome position (GRCh38, 1-based): chr3:123,700,808, A>T on the plus strand (T>A on the coding strand, the complement: MYLK is on the minus strand). VCF-style: chr3-123700808-A-T. GRCh37 (hg19) VCF-style: chr3-123419655-A-T.
Other names: c.2132T>A, p.Ile711Asn (NM_001321309.2); c.2453T>A, p.Ile818Asn (NM_053026.4, NM_053028.4); c.2660T>A, p.Ile887Asn (NM_053027.4); short protein forms I711N, I818N, I887N.
Identifiers: ClinVar variation 3401099 (VCV003401099.1).
Genomic context (GRCh38, chr3:123,700,808, plus strand): 5'-GTACTCACCTTCTTCCCCAGGAGGTCTCGGAAGTCCAGCTGCTCCACCTCCTGCTGGCGG[A>T]TCGCCTCCTCAGTGTGCTGCCTCGTCTCCACGCGCCTCTTCAGCACCCCTCGCACGTCCT-3'
Protein context (NP_444253.3, residues 877-897): VETRQHTEEA[Ile887Asn]RQQEVEQLDF